The following is an entry in ClinVar:

NM_001040108.2(MLH3):c.3761del (p.Leu1254fs)

Gene: MLH3 (mutL homolog 3; minus strand). Cytogenetic location: 14q24.3.
Variant type: Deletion.
Coding change: c.3761del on transcript NM_001040108.2 (MANE Select); coding-DNA position 3761, one base deleted (T; older notation c.3761delT).
Protein change: p.Leu1254fs; shifts the reading frame from leucine 1254.
Molecular consequence: frameshift variant.
Genome position (GRCh38, 1-based): chr14:75,032,134, A deleted on the plus strand (T on the coding strand, the reverse complement: MLH3 is on the minus strand); the first of 2 consecutive A bases (chr14:75,032,134-75,032,135); deleting either gives the same sequence. VCF-style (leftmost placement, unchanged base first): chr14-75032133-TA-T. GRCh37 (hg19) VCF-style: chr14-75498836-TA-T.
Other names: c.3689del, p.Leu1230fs (NM_014381.3); c.3761delT (NM_001040108.1); short protein forms L1230fs, L1254fs.
Identifiers: ClinVar variation 5024625 (VCV005024625.1).

ClinVar aggregate classification (germline): Pathogenic (1 of 4 stars; one submission).

Submission:

Ambry Genetics
Classification: Pathogenic. Last evaluated: 2026-08-14. Review status: criteria provided, single submitter. Criteria: Ambry Variant Classification Scheme 2023. Collection method: clinical testing. Allele origin: germline.
Comment: The c.3761delT pathogenic mutation, located in coding exon 7 of the MLH3 gene, results from a deletion of one nucleotide at nucleotide position 3761, causing a translational frameshift with a predicted alternate stop codon (p.L1254Yfs*6). This variant is considered to be rare based on population cohorts in the Genome Aggregation Database (gnomAD). This alteration is expected to result in loss of function by premature protein truncation or nonsense-mediated mRNA decay. As such, this alteration is interpreted as a disease-causing mutation.